The following is an entry in ClinVar:

ClinVar aggregate classification (germline): Uncertain significance (1 of 4 stars; one submission).

Submission:

GeneDx
Classification: Uncertain significance. Last evaluated: 2023-04-19. Review status: criteria provided, single submitter. Criteria: GeneDx Variant Classification Process June 2021. Collection method: clinical testing. Allele origin: germline. Affected: yes.
Comment: Not observed at significant frequency in large population cohorts (gnomAD); In silico analysis supports that this missense variant has a deleterious effect on protein structure/function; Has not been previously published as pathogenic or benign to our knowledge

NM_001283009.2(RTEL1):c.1384C>G (p.His462Asp)

Genes: RTEL1 (regulator of telomere elongation helicase 1; plus strand), RTEL1-TNFRSF6B (RTEL1-TNFRSF6B readthrough (NMD candidate); plus strand). Cytogenetic location: 20q13.33.
Variant type: single nucleotide variant.
Coding change: c.1384C>G on transcript NM_001283009.2 (MANE Select); coding-DNA position 1384, C replaced by G.
Protein change: p.His462Asp; replaces histidine 462 with aspartic acid.
Molecular consequence: missense variant. On other transcripts: non-coding transcript variant (1).
Genome position (GRCh38, 1-based): chr20:63,687,673, C>G. VCF-style: chr20-63687673-C-G. GRCh37 (hg19) VCF-style: chr20-62319026-C-G.
Other names: c.715C>G, p.His239Asp (NM_001283010.1); c.1384C>G, p.His462Asp (NM_016434.4); c.1456C>G, p.His486Asp (NM_032957.5); short protein forms H239D, H462D, H486D.
Identifiers: ClinVar variation 3253217 (VCV003253217.1), dbSNP rs2517112089.
Genomic context (GRCh38, chr20:63,687,673, plus strand): 5'-CCCTCTGCCGCCCCCCGCCCCACAGGGAAGGTGCTGAGCTACTGGTGCTTCAGTCCCGGC[C>G]ACAGCATGCACGAGCTGGTCCGCCAGGGCGTCCGCTCCCTCATCCTTACCAGCGGCACGC-3'
Protein context (NP_001269938.1, residues 452-472): VLSYWCFSPG[His462Asp]SMHELVRQGV